The following is an entry in ClinVar:

NM_000459.5(TEK):c.2854A>G (p.Met952Val)

Gene: TEK (TEK receptor tyrosine kinase; plus strand). Cytogenetic location: 9p21.2.
Variant type: single nucleotide variant.
Coding change: c.2854A>G on transcript NM_000459.5 (MANE Select); coding-DNA position 2854, A replaced by G.
Protein change: p.Met952Val; replaces methionine 952 with valine.
Molecular consequence: missense variant.
Genome position (GRCh38, 1-based): chr9:27,212,874, A>G. VCF-style: chr9-27212874-A-G. GRCh37 (hg19) VCF-style: chr9-27212872-A-G.
Other names: c.2725A>G, p.Met909Val (NM_001290077.2); c.2410A>G, p.Met804Val (NM_001290078.2); c.2851A>G, p.Met951Val (NM_001375475.1); c.2722A>G, p.Met908Val (NM_001375476.1); short protein forms M804V, M908V, M909V, M951V, M952V.
Identifiers: ClinVar variation 4293288 (VCV004293288.1).

ClinVar aggregate classification (germline): Uncertain significance (1 of 4 stars; one submission).

Conditions:
Glaucoma 3, primary congenital, E (GLC3E). Identifiers: MedGen C4310639, MONDO:0014998, OMIM 617272.

gnomAD v4.1: 1 of 1,613,984 alleles (0.000062%); highest among the groups gnomAD compares: Non-Finnish European, 0.000085%; no homozygotes.

Submission:

3billion
Classification: Uncertain significance for Glaucoma 3, primary congenital, E. Last evaluated: 2024-09-28. Review status: criteria provided, single submitter. Criteria: ACMG Guidelines, 2015. Collection method: clinical testing. Allele origin: germline. Affected: yes.
Comment: The variant is observed at an extremely low frequency in the gnomAD v4.1.0 dataset (total allele frequency: <0.001%). Predicted Consequence/Location: Missense variant In silico tool predictions suggest damaging effect of the variant on gene or gene product [REVEL: 0.75 (>=0.6, sensitivity 0.68 and specificity 0.92); 3Cnet: 0.86 (>=0.6, sensitivity 0.72 and precision 0.9)]. Therefore, this variant is classified as VUS according to the recommendation of ACMG/AMP guideline.